The following is an entry in ClinVar:

ClinVar aggregate classification (germline): Conflicting classifications of pathogenicity. Review status: criteria provided, conflicting classifications (1 of 4 stars). 2 submissions from 2 submitters: Uncertain significance (1); Likely benign (1). Last evaluated 2025-11-23.

Conditions:
ACP5-related disorder. Also called: ACP5-related condition.
Spondyloenchondrodysplasia with immune dysregulation (SPENCDI). Also called: COMBINED IMMUNODEFICIENCY WITH AUTOIMMUNITY AND SPONDYLOMETAPHYSEAL DYSPLASIA; ROIFMAN IMMUNOSKELETAL SYNDROME; SPONDYLOENCHONDRODYSPLASIA WITH OR WITHOUT IMMUNE DYSREGULATION. Identifiers: Orphanet 1855, MedGen C1842763, MONDO:0011939, OMIM 607944.

Allele frequency attached by ClinVar (database versions not stated): gnomAD exomes 0.00003 and 0.00009; gnomAD 0.00004 and 0.00006; TOPMed 0.00006; ExAC 0.00010; 1000 Genomes Project 0.00060; 1000 Genomes Project 30x 0.00062.

Submissions (2):

Labcorp Genetics (formerly Invitae), Labcorp
Classification: Likely benign for Spondyloenchondrodysplasia with immune dysregulation. Last evaluated: 2025-11-23. Review status: criteria provided, single submitter. Criteria: Invitae Variant Classification Sherloc (09022015). Collection method: clinical testing. Allele origin: germline.

PreventionGenetics, part of Exact Sciences
Classification: Uncertain significance for ACP5-related condition. Last evaluated: 2025-04-22. Review status: criteria provided, single submitter. Criteria: ACMG Guidelines, 2015. Collection method: clinical testing. Allele origin: germline.
Comment: The ACP5 c.137G>A variant is predicted to result in the amino acid substitution p.Arg46Gln. This variant has been reported with other variants in an individual with systemic lupus erythematosus (Hong et al. 2022. PubMed ID: 35633950). This variant is reported in 0.10% of alleles in individuals of East Asian descent in gnomAD. At this time, the clinical significance of this variant is uncertain due to the absence of conclusive functional and genetic evidence.

NM_001611.5(ACP5):c.137G>A (p.Arg46Gln)

Gene: ACP5 (acid phosphatase 5, tartrate resistant; minus strand). Cytogenetic location: 19p13.2.
Variant type: single nucleotide variant.
Coding change: c.137G>A on transcript NM_001611.5 (MANE Select); coding-DNA position 137, G replaced by A.
Protein change: p.Arg46Gln; replaces arginine 46 with glutamine.
Molecular consequence: missense variant.
Genome position (GRCh38, 1-based): chr19:11,577,181, C>T on the plus strand (G>A on the coding strand, the complement: ACP5 is on the minus strand). VCF-style: chr19-11577181-C-T. GRCh37 (hg19) VCF-style: chr19-11687996-C-T.
Other names: c.137G>A, p.Arg46Gln (LRG_1218t1, NM_001111034.3, NM_001111035.3 and 2 more transcripts); short protein forms R46Q.
Identifiers: ClinVar variation 464886 (VCV000464886.9), dbSNP rs201184983, ClinGen allele CA9215517.